The following is an entry in ClinVar:

NM_012233.3(RAB3GAP1):c.*171G>A

Gene: RAB3GAP1 (RAB3 GTPase activating protein catalytic subunit 1; plus strand). Cytogenetic location: 2q21.3.
Variant type: single nucleotide variant.
Coding change: c.*171G>A on transcript NM_012233.3 (MANE Select); 171 bases downstream of the stop codon, G replaced by A.
Molecular consequence: 3 prime UTR variant.
Genome position (GRCh38, 1-based): chr2:135,168,952, G>A. VCF-style: chr2-135168952-G-A. GRCh37 (hg19) VCF-style: chr2-135926522-G-A.
Other names: c.*171G>A (NM_001172435.2).
Identifiers: ClinVar variation 331133 (VCV000331133.9), dbSNP rs11558413, ClinGen allele CA10612108.

ClinVar aggregate classification (germline): Benign. Review status: criteria provided, multiple submitters, no conflicts (2 of 4 stars). 3 submissions from 3 submitters: Benign (3). Last evaluated 2018-06-28.

Conditions:
Warburg micro syndrome 1 (WARBM1). Identifiers: Orphanet 2510, MedGen C1838625, MONDO:0010822, OMIM 600118.

Allele frequency attached by ClinVar (database versions not stated): gnomAD exomes 0.04041; gnomAD 0.04229 and 0.04215; TOPMed 0.04112; 1000 Genomes Project 0.04573; 1000 Genomes Project 30x 0.04606.
gnomAD v4.1: 25,733 of 632,222 alleles (4.1%); highest among the groups gnomAD compares: African/African-American, 5.8%; 624 homozygotes.

Submissions (3):

GeneDx
Classification: Benign. Last evaluated: 2018-06-28. Review status: criteria provided, single submitter. Criteria: GeneDx Variant Classification Process June 2021. Collection method: clinical testing. Allele origin: germline. Affected: yes.

Illumina Laboratory Services, Illumina
Classification: Benign for Warburg micro syndrome 1. Last evaluated: 2018-01-13. Review status: criteria provided, single submitter. Criteria: ICSL Variant Classification Criteria 13 December 2019. Collection method: clinical testing. Allele origin: germline.
Comment: This variant was observed in the ICSL laboratory as part of a predisposition screen in an ostensibly healthy population. It had not been previously curated by ICSL or reported in the Human Gene Mutation Database (HGMD: prior to June 1st, 2018), and was therefore a candidate for classification through an automated scoring system. Utilizing variant allele frequency, disease prevalence and penetrance estimates, and inheritance mode, an automated score was calculated to assess if this variant is too frequent to cause the disease. Based on the score and internal cut-off values, a variant classified as benign is not then subjected to further curation. The score for this variant resulted in a classification of benign for this disease.

Breakthrough Genomics
Classification: Benign. Review status: criteria provided, single submitter. Criteria: ACMG Guidelines, 2015. Collection method: not provided. Allele origin: germline. Inheritance: Autosomal recessive inheritance. Affected: yes.